The following is an entry in ClinVar:

NM_002485.5(NBN):c.2094A>T (p.Lys698Asn)

Gene: NBN (nibrin; minus strand). Cytogenetic location: 8q21.3.
Variant type: single nucleotide variant.
Coding change: c.2094A>T on transcript NM_002485.5 (MANE Select); coding-DNA position 2094, A replaced by T.
Protein change: p.Lys698Asn; replaces lysine 698 with asparagine.
Molecular consequence: missense variant.
Genome position (GRCh38, 1-based): chr8:89,943,343, T>A on the plus strand (A>T on the coding strand, the complement: NBN is on the minus strand). VCF-style: chr8-89943343-T-A. GRCh37 (hg19) VCF-style: chr8-90955571-T-A.
Other names: c.1848A>T, p.Lys616Asn (NM_001024688.3, NM_001440379.1, NM_001440380.1); short protein forms K698N, K616N.
Identifiers: ClinVar variation 4827168 (VCV004827168.1).

ClinVar aggregate classification (germline): Uncertain significance (1 of 4 stars; one submission).

Conditions:
Hereditary cancer-predisposing syndrome. Also called: Neoplastic Syndromes, Hereditary; Tumor predisposition; Hereditary Cancer Syndrome; Hereditary neoplastic syndrome. Identifiers: Orphanet 140162, MedGen C0027672, MeSH D009386, MONDO:0015356.

Submission:

Ambry Genetics
Classification: Uncertain significance for Hereditary cancer-predisposing syndrome. Last evaluated: 2026-03-12. Review status: criteria provided, single submitter. Criteria: Ambry Variant Classification Scheme 2023. Collection method: clinical testing. Allele origin: germline.
Comment: The p.K698N variant (also known as c.2094A>T), located in coding exon 14 of the NBN gene, results from an A to T substitution at nucleotide position 2094. The lysine at codon 698 is replaced by asparagine, an amino acid with similar properties. This amino acid position is conserved. In addition, this alteration is predicted to be tolerated by in silico analysis. Based on the available evidence, the clinical significance of this variant remains unclear.